The following is an entry in ClinVar:

NM_004004.6(GJB2):c.-170C>G

Gene: GJB2 (gap junction protein beta 2; minus strand). Cytogenetic location: 13q12.11.
Variant type: single nucleotide variant.
Coding change: c.-170C>G on transcript NM_004004.6 (MANE Select); 170 bases upstream of the start codon, C replaced by G.
Molecular consequence: 5 prime UTR variant.
Genome position (GRCh38, 1-based): chr13:20,192,930, G>C on the plus strand (C>G on the coding strand, the complement: GJB2 is on the minus strand). VCF-style: chr13-20192930-G-C. GRCh37 (hg19) VCF-style: chr13-20767069-G-C.
Identifiers: ClinVar variation 881615 (VCV000881615.5), dbSNP rs1006263046, ClinGen allele CA246463689.

ClinVar aggregate classification (germline): Uncertain significance. Review status: criteria provided, multiple submitters, no conflicts (2 of 4 stars). 4 submissions from 2 submitters: Uncertain significance (4). Last evaluated 2021-01-20.

Conditions:
Autosomal dominant nonsyndromic hearing loss 3A. Identifiers: Orphanet 90635, MedGen C2675750, MONDO:0011103, OMIM 601544.
Ichthyosis, hystrix-like, with hearing loss. Also called: Hystrix-like ichthyosis with deafness. Identifiers: Orphanet 477, MedGen C1865234, MONDO:0011245.
Autosomal recessive nonsyndromic hearing loss 1A (DFNB1A). Also called: GJB6-Related DFNB 1 Nonsyndromic Hearing Loss and Deafness; Deafness, autosomal recessive 1A; Connexin 26 deafness; Deafness nonsyndromic, Connexin 26 linked; Nonsyndromic Hearing Loss and Deafness, DFNB1; GJB2-Related Autosomal Recessive Nonsyndromic Hearing Loss. Identifiers: Orphanet 90636, MedGen C2673759, MONDO:0009076, OMIM 220290.

Allele frequency attached by ClinVar (database versions not stated): TOPMed 0.00003.

Submissions (4):

Women's Health and Genetics/Laboratory Corporation of America, LabCorp
Classification: Uncertain significance. Last evaluated: 2021-01-20. Review status: criteria provided, single submitter. Criteria: LabCorp Variant Classification Summary - May 2015. Collection method: clinical testing. Allele origin: germline.
Comment: Variant summary: GJB2 c.-170C>G is located in the untranslated mRNA region upstream of the initiation codon. The variant was absent in 31276 control chromosomes (gnomAD). The available data on variant occurrences in the general population are insufficient to allow any conclusion about variant significance. To our knowledge, no occurrence of c.-170C>G in individuals affected with Non-Syndromic Hearing Loss and no experimental evidence demonstrating its impact on protein function have been reported. One clinical diagnostic laboratory has submitted clinical-significance assessments for this variant to ClinVar after 2014 without evidence for independent evaluation and cited the variant as uncertain significance. Based on the evidence outlined above, the variant was classified as uncertain significance.

Illumina Laboratory Services, Illumina
Classification: Uncertain significance for Autosomal dominant nonsyndromic hearing loss 3A. Last evaluated: 2017-04-27. Review status: criteria provided, single submitter. Criteria: ICSL Variant Classification Criteria 13 December 2019. Collection method: clinical testing. Allele origin: germline.

Illumina Laboratory Services, Illumina
Classification: Uncertain significance for Autosomal dominant keratitis-ichthyosis-hearing loss syndrome. Last evaluated: 2017-04-27. Review status: criteria provided, single submitter. Criteria: ICSL Variant Classification Criteria 13 December 2019. Collection method: clinical testing. Allele origin: germline.

Illumina Laboratory Services, Illumina
Classification: Uncertain significance for Autosomal recessive nonsyndromic hearing loss 1A. Last evaluated: 2017-04-27. Review status: criteria provided, single submitter. Criteria: ICSL Variant Classification Criteria 13 December 2019. Collection method: clinical testing. Allele origin: germline.